The following is an entry in ClinVar:

NM_002637.4(PHKA1):c.2587C>T (p.Arg863Ter)

Gene: PHKA1 (phosphorylase kinase regulatory subunit alpha 1; minus strand). Cytogenetic location: Xq13.1.
Variant type: single nucleotide variant.
Coding change: c.2587C>T on transcript NM_002637.4 (MANE Select); coding-DNA position 2587, C replaced by T.
Protein change: p.Arg863Ter; replaces arginine 863 with a stop codon.
Molecular consequence: nonsense.
Genome position (GRCh38, 1-based): chrX:72,609,643, G>A on the plus strand (C>T on the coding strand, the complement: PHKA1 is on the minus strand). VCF-style: chrX-72609643-G-A. GRCh37 (hg19) VCF-style: chrX-71829493-G-A.
Other names: c.2587C>T (NM_002637.3); c.2587C>T, p.Arg863Ter (NM_001122670.2); c.2410C>T, p.Arg804Ter (NM_001172436.2); short protein forms R863*, R804*.
Identifiers: ClinVar variation 2869668 (VCV002869668.4), dbSNP rs782401662, ClinGen allele CA413589839.

ClinVar aggregate classification (germline): Pathogenic. Review status: criteria provided, multiple submitters, no conflicts (2 of 4 stars). 2 submissions from 2 submitters: Pathogenic (2). Last evaluated 2025-10-21.

Conditions:
Inborn genetic diseases. Identifiers: MedGen C0950123, MeSH D030342.
Glycogen storage disease IXd (GSD9D). Also called: Muscle Phosphorylase Kinase Deficiency; GSD IXd. Identifiers: Orphanet 715, MedGen C1845151, MONDO:0010362, OMIM 300559.

Allele frequency attached by ClinVar (database versions not stated): gnomAD exomes below 0.00001.
gnomAD v4.1: 5 of 1,204,451 alleles (0.00042%); highest among the groups gnomAD compares: Non-Finnish European, 0.00056%; no homozygotes.

Submissions (2):

Labcorp Genetics (formerly Invitae), Labcorp
Classification: Pathogenic for Glycogen storage disease IXd. Last evaluated: 2025-10-21. Review status: criteria provided, single submitter. Criteria: Invitae Variant Classification Sherloc (09022015). Collection method: clinical testing. Allele origin: germline.
Comment: This sequence change creates a premature translational stop signal (p.Arg863*) in the PHKA1 gene. It is expected to result in an absent or disrupted protein product. Loss-of-function variants in PHKA1 are known to be pathogenic (PMID: 9731190, 15637709). This variant is present in population databases (no rsID available, gnomAD 0.001%). This variant has not been reported in the literature in individuals affected with PHKA1-related conditions. ClinVar contains an entry for this variant (Variation ID: 2869668). For these reasons, this variant has been classified as Pathogenic.

Ambry Genetics
Classification: Pathogenic for Inborn genetic diseases. Last evaluated: 2025-09-15. Review status: criteria provided, single submitter. Criteria: Ambry Variant Classification Scheme 2023. Collection method: clinical testing. Allele origin: germline.
Comment: The c.2587C>T (p.R863*) alteration, located in exon 23 (coding exon 23) of the PHKA1 gene, consists of a C to T substitution at nucleotide position 2587. This changes the amino acid from an arginine (R) to a stop codon at amino acid position 863. This alteration is expected to result in loss of function by premature protein truncation or nonsense-mediated mRNA decay. Based on data from gnomAD, the T allele has an overall frequency of <0.001% (1/183224) total alleles studied. The highest observed frequency was 0.001% (1/81742) of European (non-Finnish) alleles. Based on the available evidence, this alteration is classified as pathogenic.

Literature cited by the submitters: PubMed 9731190 (cited by Labcorp Genetics (formerly Invitae), Labcorp); PubMed 15637709 (cited by Labcorp Genetics (formerly Invitae), Labcorp).